The following is an entry in ClinVar:

NM_001182.5(ALDH7A1):c.1490-1G>A

Gene: ALDH7A1 (aldehyde dehydrogenase 7 family member A1; minus strand). Cytogenetic location: 5q23.2.
Variant type: single nucleotide variant.
Coding change: c.1490-1G>A on transcript NM_001182.5 (MANE Select); the canonical splice acceptor site of the intron before coding-DNA position 1490, G replaced by A.
Molecular consequence: splice acceptor variant.
Genome position (GRCh38, 1-based): chr5:126,546,400, C>T on the plus strand (G>A on the coding strand, the complement: ALDH7A1 is on the minus strand). VCF-style: chr5-126546400-C-T. GRCh37 (hg19) VCF-style: chr5-125882092-C-T.
Other names: c.1298-1G>A (NM_001202404.2); c.1406-1G>A (NM_001201377.2).
Identifiers: ClinVar variation 2058219 (VCV002058219.4), dbSNP rs2480243026, ClinGen allele CA360719629.
Genomic context (GRCh38, chr5:126,546,400, plus strand): 5'-TGTACTGTTTCCAGGCATCACTGCCAGACTCCCTGCCACCACCAGTGTGCTTTTCTCCTC[C>T]TAGAGAAATAAAAAATAATATCATATCTTCTGAGCAGTTTCCATGTGGGCTCATAGTTGG-3'

ClinVar aggregate classification (germline): Likely pathogenic (1 of 4 stars; one submission).

Conditions:
Pyridoxine-dependent epilepsy (EPEO4). Also called: PYRIDOXINE DEPENDENCY WITH SEIZURES; Pyridoxine-Dependent Seizures; Pyridoxine-Dependent Epilepsy - ALDH7A1; EPILEPSY, EARLY-ONSET, 4, VITAMIN B6-DEPENDENT. Identifiers: Orphanet 3006, MedGen C1849508, MONDO:0009945, OMIM 266100. Disease mechanism: loss of function.

Allele frequency attached by ClinVar (database versions not stated): gnomAD exomes below 0.00001.
gnomAD v4.1: 1 of 1,613,588 alleles (0.000062%); highest among the groups gnomAD compares: Non-Finnish European, 0.000085%; no homozygotes.

Submission:

Labcorp Genetics (formerly Invitae), Labcorp
Classification: Likely pathogenic for Pyridoxine-dependent epilepsy. Last evaluated: 2022-09-23. Review status: criteria provided, single submitter. Criteria: Invitae Variant Classification Sherloc (09022015). Collection method: clinical testing. Allele origin: germline.
Comment: This sequence change affects an acceptor splice site in intron 16 of the ALDH7A1 gene. It is expected to disrupt RNA splicing. Variants that disrupt the donor or acceptor splice site typically lead to a loss of protein function (PMID: 16199547), and loss-of-function variants in ALDH7A1 are known to be pathogenic (PMID: 16491085, 20554659). In summary, the currently available evidence indicates that the variant is pathogenic, but additional data are needed to prove that conclusively. Therefore, this variant has been classified as Likely Pathogenic. Algorithms developed to predict the effect of sequence changes on RNA splicing suggest that this variant may disrupt the consensus splice site. This variant has not been reported in the literature in individuals affected with ALDH7A1-related conditions. This variant is not present in population databases (gnomAD no frequency).

Literature cited by the submitters: PubMed 16199547; PubMed 16491085; PubMed 20554659.